The following is an entry in ClinVar:

NM_005633.4(SOS1):c.440A>T (p.Asn147Ile)

Gene: SOS1 (SOS Ras/Rac guanine nucleotide exchange factor 1; minus strand). Cytogenetic location: 2p22.1.
Variant type: single nucleotide variant.
Coding change: c.440A>T on transcript NM_005633.4 (MANE Select); coding-DNA position 440, A replaced by T.
Protein change: p.Asn147Ile; replaces asparagine 147 with isoleucine.
Molecular consequence: missense variant.
Genome position (GRCh38, 1-based): chr2:39,056,772, T>A on the plus strand (A>T on the coding strand, the complement: SOS1 is on the minus strand). VCF-style: chr2-39056772-T-A. GRCh37 (hg19) VCF-style: chr2-39283913-T-A.
Other names: c.419A>T, p.Asn140Ile (NM_001382394.1); c.440A>T, p.Asn147Ile (NM_001382395.1); short protein forms N140I, N147I.
Identifiers: ClinVar variation 2429211 (VCV002429211.6), dbSNP rs1223107725, ClinGen allele CA346373548.
Genomic context (GRCh38, chr2:39,056,772, plus strand): 5'-CACATTGCCACTTTAATATCTTGTTTTGTAATTTCATAATGCCGTATATTTCTTACATAA[T>A]TCCCAACCAGCTTTAAAATGTCTGCAGAAATGTATTCTAAGACTGCTACTATGTAAACAG-3'
Protein context (NP_005624.2, residues 137-157): ISADILKLVG[Asn147Ile]YVRNIRHYEI

ClinVar aggregate classification (germline): Uncertain significance. Review status: criteria provided, multiple submitters, no conflicts (2 of 4 stars). 2 submissions from 2 submitters: Uncertain significance (2). Last evaluated 2023-04-03.

Conditions:
RASopathy. Also called: rasopathies; Noonan spectrum disorder. Identifiers: Orphanet 536391, MedGen C5555857, MONDO:0021060.

Submissions (2):

Labcorp Genetics (formerly Invitae), Labcorp
Classification: Uncertain significance for RASopathy. Last evaluated: 2023-04-03. Review status: criteria provided, single submitter. Criteria: Invitae Variant Classification Sherloc (09022015). Collection method: clinical testing. Allele origin: germline.
Comment: This variant has not been reported in the literature in individuals affected with SOS1-related conditions. This sequence change replaces asparagine, which is neutral and polar, with isoleucine, which is neutral and non-polar, at codon 147 of the SOS1 protein (p.Asn147Ile). This variant is not present in population databases (gnomAD no frequency). ClinVar contains an entry for this variant (Variation ID: 2429211). Advanced modeling of protein sequence and biophysical properties (such as structural, functional, and spatial information, amino acid conservation, physicochemical variation, residue mobility, and thermodynamic stability) has been performed at Invitae for this missense variant, however the output from this modeling did not meet the statistical confidence thresholds required to predict the impact of this variant on SOS1 protein function. In summary, the available evidence is currently insufficient to determine the role of this variant in disease. Therefore, it has been classified as a Variant of Uncertain Significance.

Women's Health and Genetics/Laboratory Corporation of America, LabCorp
Classification: Uncertain significance. Last evaluated: 2023-01-23. Review status: criteria provided, single submitter. Criteria: LabCorp Variant Classification Summary - May 2015. Collection method: clinical testing. Allele origin: germline.
Comment: Variant summary: SOS1 c.440A>T (p.Asn147Ile) results in a non-conservative amino acid change in the encoded protein sequence. Five of five in-silico tools predict a damaging effect of the variant on protein function. The variant was absent in 251320 control chromosomes (gnomAD). The available data on variant occurrences in the general population are insufficient to allow any conclusion about variant significance. To our knowledge, no occurrence of c.440A>T in individuals affected with Noonan Syndrome and no experimental evidence demonstrating its impact on protein function have been reported. No clinical diagnostic laboratories have submitted clinical-significance assessments for this variant to ClinVar after 2014. Based on the evidence outlined above, the variant was classified as uncertain significance.